The following is an entry in ClinVar:

NM_002103.5(GYS1):c.395A>G (p.Glu132Gly)

Gene: GYS1 (glycogen synthase 1; minus strand). Cytogenetic location: 19q13.33.
Variant type: single nucleotide variant.
Coding change: c.395A>G on transcript NM_002103.5 (MANE Select); coding-DNA position 395, A replaced by G.
Protein change: p.Glu132Gly; replaces glutamic acid 132 with glycine.
Molecular consequence: missense variant. On other transcripts: non-coding transcript variant (1), intron variant (1).
Genome position (GRCh38, 1-based): chr19:48,987,291, T>C on the plus strand (A>G on the coding strand, the complement: GYS1 is on the minus strand). VCF-style: chr19-48987291-T-C. GRCh37 (hg19) VCF-style: chr19-49490548-T-C.
Other names: c.301-1256A>G (NM_001161587.2); short protein forms E132G.
Identifiers: ClinVar variation 567434 (VCV000567434.8), dbSNP rs183816843, ClinGen allele CA9563363.

ClinVar aggregate classification (germline): Uncertain significance. Review status: criteria provided, multiple submitters, no conflicts (2 of 4 stars). 2 submissions from 2 submitters: Uncertain significance (2). Last evaluated 2025-08-04.

Conditions:
Inborn genetic diseases. Identifiers: MedGen C0950123, MeSH D030342.
Glycogen storage disease due to muscle and heart glycogen synthase deficiency. Also called: GSD 0b; MUSCLE GLYCOGEN SYNTHASE DEFICIENCY. Identifiers: Orphanet 137625, MedGen C1969054, MONDO:0012693, OMIM 611556.

Allele frequency attached by ClinVar (database versions not stated): gnomAD exomes 0.00001 and 0.00002; ExAC 0.00002; gnomAD 0.00021 and 0.00022; 1000 Genomes Project 0.00040; TOPMed 0.00045; 1000 Genomes Project 30x 0.00062.

Submissions (2):

Ambry Genetics
Classification: Uncertain significance for Inborn genetic diseases. Last evaluated: 2025-08-04. Review status: criteria provided, single submitter. Criteria: Ambry Variant Classification Scheme 2023. Collection method: clinical testing. Allele origin: germline.

Labcorp Genetics (formerly Invitae), Labcorp
Classification: Uncertain significance for Glycogen storage disease due to muscle and heart glycogen synthase deficiency. Last evaluated: 2022-08-08. Review status: criteria provided, single submitter. Criteria: Invitae Variant Classification Sherloc (09022015). Collection method: clinical testing. Allele origin: germline.
Comment: This sequence change replaces glutamic acid, which is acidic and polar, with glycine, which is neutral and non-polar, at codon 132 of the GYS1 protein (p.Glu132Gly). This variant is present in population databases (rs183816843, gnomAD 0.009%). This variant has not been reported in the literature in individuals affected with GYS1-related conditions. ClinVar contains an entry for this variant (Variation ID: 567434). Algorithms developed to predict the effect of missense changes on protein structure and function are either unavailable or do not agree on the potential impact of this missense change (SIFT: "Deleterious"; PolyPhen-2: "Benign"; Align-GVGD: "Class C0"). In summary, the available evidence is currently insufficient to determine the role of this variant in disease. Therefore, it has been classified as a Variant of Uncertain Significance.